The following is an entry in ClinVar:

NM_007055.4(POLR3A):c.3590C>A (p.Pro1197His)

Gene: POLR3A (RNA polymerase III subunit A; minus strand). Cytogenetic location: 10q22.3.
Variant type: single nucleotide variant.
Coding change: c.3590C>A on transcript NM_007055.4 (MANE Select); coding-DNA position 3590, C replaced by A.
Protein change: p.Pro1197His; replaces proline 1197 with histidine.
Molecular consequence: missense variant.
Genome position (GRCh38, 1-based): chr10:77,982,657, G>T on the plus strand (C>A on the coding strand, the complement: POLR3A is on the minus strand). VCF-style: chr10-77982657-G-T. GRCh37 (hg19) VCF-style: chr10-79742415-G-T.
Other names: short protein forms P1197H.
Identifiers: ClinVar variation 1714442 (VCV001714442.5), dbSNP rs771562558, ClinGen allele CA377327734.

ClinVar aggregate classification (germline): Uncertain significance (1 of 4 stars; one submission).

Submission:

Labcorp Genetics (formerly Invitae), Labcorp
Classification: Uncertain significance. Last evaluated: 2022-07-30. Review status: criteria provided, single submitter. Criteria: Invitae Variant Classification Sherloc (09022015). Collection method: clinical testing. Allele origin: germline.
Comment: In summary, the available evidence is currently insufficient to determine the role of this variant in disease. Therefore, it has been classified as a Variant of Uncertain Significance. This sequence change replaces proline, which is neutral and non-polar, with histidine, which is basic and polar, at codon 1197 of the POLR3A protein (p.Pro1197His). This variant is not present in population databases (gnomAD no frequency). This variant has not been reported in the literature in individuals affected with POLR3A-related conditions. Algorithms developed to predict the effect of missense changes on protein structure and function are either unavailable or do not agree on the potential impact of this missense change (SIFT: "Deleterious"; PolyPhen-2: "Probably Damaging"; Align-GVGD: "Class C0").